The following is an entry in ClinVar:

ClinVar aggregate classification (germline): Benign. Review status: criteria provided, multiple submitters, no conflicts (2 of 4 stars). 26 submissions from 19 submitters: Benign (21). 5 of the submissions do not count toward it. Last evaluated 2026-02-04.

Conditions:
Cardiovascular phenotype. Identifiers: MedGen CN230736.
Dilated cardiomyopathy 1G (CMD1G). Identifiers: Orphanet 154, MedGen C1858763, MONDO:0011400, OMIM 604145.
Autosomal recessive limb-girdle muscular dystrophy type 2J (LGMDR10). Also called: Limb-girdle muscular dystrophy, type 2J; MUSCULAR DYSTROPHY, LIMB-GIRDLE, AUTOSOMAL RECESSIVE 10. Identifiers: Orphanet 140922, MedGen C1837342, MONDO:0012127, OMIM 608807.
Cardiomyopathy (CMYO). Also called: Cardiomyopathies. Identifiers: Orphanet 167848, MedGen C0878544, MONDO:0004994, HP:0001638. Inheritance: Various modes of inheritance.
Early-onset myopathy with fatal cardiomyopathy (CMYO5). Also called: CONGENITAL MYOPATHY 5 WITH CARDIOMYOPATHY; Salih Myopathy. Identifiers: Orphanet 289377, MedGen C2673677, MONDO:0012714, OMIM 611705. Disease mechanism: loss of function.
Myopathy, myofibrillar, 9, with early respiratory failure (MFM9). Also called: MYOPATHY, PROXIMAL, WITH EARLY RESPIRATORY MUSCLE INVOLVEMENT; Myopathy, distal, with early respiratory failure, autosomal dominant; Hereditary myopathy with early respiratory failure; EDSTROM MYOPATHY. Identifiers: Orphanet 178464, Orphanet 34521, MedGen C1863599, MONDO:0011362, OMIM 603689.
Tibial muscular dystrophy (TMD). Also called: Tibial muscular dystrophy, tardive; UDD MYOPATHY; Udd Distal Myopathy – Tibial Muscular Dystrophy. Identifiers: Orphanet 609, MedGen C1838244, MONDO:0010870, OMIM 600334.

Allele frequency attached by ClinVar (database versions not stated): ESP Exome Variant Server 0.00203; gnomAD 0.01401 and 0.01543; TOPMed 0.02745; ExAC 0.03070; 1000 Genomes Project 0.03435; 1000 Genomes Project 30x 0.03685; gnomAD exomes 0.03784.
gnomAD v4.1: 17,573 of 1,613,362 alleles (1.1%); highest among the groups gnomAD compares: Admixed American, 18%; 1,485 homozygotes.

Submissions (26):

Labcorp Genetics (formerly Invitae), Labcorp
Classification: Benign for Dilated cardiomyopathy 1G; Autosomal recessive limb-girdle muscular dystrophy type 2J. Last evaluated: 2026-02-04. Review status: criteria provided, single submitter. Criteria: Invitae Variant Classification Sherloc (09022015). Collection method: clinical testing. Allele origin: germline.

Molecular Diagnostic Laboratory for Inherited Cardiovascular Disease, Montreal Heart Institute
Classification: Benign. Last evaluated: 2025-04-09. Review status: criteria provided, single submitter. Criteria: ACMG Guidelines, 2015. Collection method: clinical testing. Allele origin: germline. Affected: no.

Genome-Nilou Lab
Classification: Benign for Tibial muscular dystrophy. Last evaluated: 2021-09-10. Review status: criteria provided, single submitter. Criteria: ACMG Guidelines, 2015. Collection method: clinical testing. Allele origin: germline. Affected: no.

Genome-Nilou Lab
Classification: Benign for Autosomal recessive limb-girdle muscular dystrophy type 2J. Last evaluated: 2021-09-10. Review status: criteria provided, single submitter. Criteria: ACMG Guidelines, 2015. Collection method: clinical testing. Allele origin: germline. Affected: no.

Genome-Nilou Lab
Classification: Benign for Myopathy, myofibrillar, 9, with early respiratory failure. Last evaluated: 2021-09-10. Review status: criteria provided, single submitter. Criteria: ACMG Guidelines, 2015. Collection method: clinical testing. Allele origin: germline. Affected: no.

Genome-Nilou Lab
Classification: Benign for Early-onset myopathy with fatal cardiomyopathy. Last evaluated: 2021-09-10. Review status: criteria provided, single submitter. Criteria: ACMG Guidelines, 2015. Collection method: clinical testing. Allele origin: germline. Affected: no.

Women's Health and Genetics/Laboratory Corporation of America, LabCorp
Classification: Benign. Last evaluated: 2019-08-19. Review status: criteria provided, single submitter. Criteria: LabCorp Variant Classification Summary - May 2015. Collection method: clinical testing. Allele origin: germline.

Athena Diagnostics
Classification: Benign. Last evaluated: 2019-05-30. Review status: criteria provided, single submitter. Criteria: Athena Diagnostics Criteria. Collection method: clinical testing. Allele origin: germline.

Illumina Laboratory Services, Illumina
Classification: Benign for Dilated cardiomyopathy 1G. Last evaluated: 2018-01-13. Review status: criteria provided, single submitter. Criteria: ICSL Variant Classification Criteria 13 December 2019. Collection method: clinical testing. Allele origin: germline.
Comment: This variant was observed in the ICSL laboratory as part of a predisposition screen in an ostensibly healthy population. It had not been previously curated by ICSL or reported in the Human Gene Mutation Database (HGMD: prior to June 1st, 2018), and was therefore a candidate for classification through an automated scoring system. Utilizing variant allele frequency, disease prevalence and penetrance estimates, and inheritance mode, an automated score was calculated to assess if this variant is too frequent to cause the disease. Based on the score and internal cut-off values, a variant classified as benign is not then subjected to further curation. The score for this variant resulted in a classification of benign for this disease.

Illumina Laboratory Services, Illumina
Classification: Benign for Myopathy, myofibrillar, 9, with early respiratory failure. Last evaluated: 2018-01-13. Review status: criteria provided, single submitter. Criteria: ICSL Variant Classification Criteria 13 December 2019. Collection method: clinical testing. Allele origin: germline.
Comment: the same text as in the submission from Illumina Laboratory Services, Illumina above.

Illumina Laboratory Services, Illumina
Classification: Benign for Tibial muscular dystrophy. Last evaluated: 2018-01-13. Review status: criteria provided, single submitter. Criteria: ICSL Variant Classification Criteria 13 December 2019. Collection method: clinical testing. Allele origin: germline.
Comment: the same text as in the submission from Illumina Laboratory Services, Illumina above.

Illumina Laboratory Services, Illumina
Classification: Benign for Early-onset myopathy with fatal cardiomyopathy. Last evaluated: 2018-01-13. Review status: criteria provided, single submitter. Criteria: ICSL Variant Classification Criteria 13 December 2019. Collection method: clinical testing. Allele origin: germline.
Comment: the same text as in the submission from Illumina Laboratory Services, Illumina above.

Illumina Laboratory Services, Illumina
Classification: Benign for Autosomal recessive limb-girdle muscular dystrophy type 2J. Last evaluated: 2018-01-13. Review status: criteria provided, single submitter. Criteria: ICSL Variant Classification Criteria 13 December 2019. Collection method: clinical testing. Allele origin: germline.
Comment: the same text as in the submission from Illumina Laboratory Services, Illumina above.

Mayo Clinic Laboratories, Mayo Clinic
Classification: Benign. Last evaluated: 2017-07-25. Review status: criteria provided, single submitter. Criteria: ACMG Guidelines, 2015. Collection method: clinical testing. Allele origin: germline. Observed: 92 variant alleles.

CHEO Genetics Diagnostic Laboratory, Children's Hospital of Eastern Ontario
Classification: Benign for Cardiomyopathy. Last evaluated: 2015-11-19. Review status: criteria provided, single submitter. Criteria: ACMG Guidelines, 2015. Collection method: clinical testing. Allele origin: germline. Study: Canadian Open Genetics Repository.

GeneDx
Classification: Benign. Last evaluated: 2013-10-08. Review status: criteria provided, single submitter. Criteria: GeneDx Variant Classification (06012015). Collection method: clinical testing. Allele origin: germline. Affected: yes.
Comment: This variant is considered likely benign or benign based on one or more of the following criteria: it is a conservative change, it occurs at a poorly conserved position in the protein, it is predicted to be benign by multiple in silico algorithms, and/or has population frequency not consistent with disease.

Eurofins Ntd Llc (ga)
Classification: Benign. Last evaluated: 2013-03-04. Review status: criteria provided, single submitter. Criteria: EGL Classification Definitions 2015. Collection method: clinical testing. Allele origin: germline. Observed: 2 variant alleles, 2 heterozygotes.

Ambry Genetics
Classification: Benign for Cardiovascular phenotype. Last evaluated: 2013-01-31. Review status: criteria provided, single submitter. Criteria: Ambry Autosomal Dominant and X-Linked criteria (10/2015). Collection method: clinical testing. Allele origin: germline. Observed: 1 variant allele.

Laboratory for Molecular Medicine, Mass General Brigham Personalized Medicine
Classification: Benign. Last evaluated: 2012-07-30. Review status: criteria provided, single submitter. Criteria: LMM Criteria. Collection method: clinical testing. Allele origin: germline. Observed: 57 variant alleles.

Breakthrough Genomics
Classification: Benign. Review status: criteria provided, single submitter. Criteria: ACMG Guidelines, 2015. Collection method: not provided. Allele origin: germline. Inheritance: Autosomal recessive inheritance. Affected: yes.

PreventionGenetics, part of Exact Sciences
Classification: Benign. Review status: criteria provided, single submitter. Criteria: ACMG Guidelines, 2015. Collection method: clinical testing. Allele origin: germline.

Clinical Genetics DNA and cytogenetics Diagnostics Lab, Erasmus MC, Erasmus Medical Center
Classification: Benign. Review status: no assertion criteria provided. Collection method: clinical testing. Allele origin: germline. Affected: yes. Study: VKGL Data-share Consensus. Not counted in ClinVar's aggregate classification.

Clinical Genetics, Academic Medical Center
Classification: Benign. Review status: no assertion criteria provided. Collection method: clinical testing. Allele origin: germline. Affected: yes. Study: VKGL Data-share Consensus. Not counted in ClinVar's aggregate classification.

Genetic Services Laboratory, University of Chicago
Classification: Likely benign for AllHighlyPenetrant. Review status: no assertion criteria provided. Collection method: clinical testing. Allele origin: germline. Not counted in ClinVar's aggregate classification.
Comment: Likely benign based on allele frequency in 1000 Genomes Project or ESP global frequency and its presence in a patient with a rare or unrelated disease phenotype. NOT Sanger confirmed.

Joint Genome Diagnostic Labs from Nijmegen and Maastricht, Radboudumc and MUMC+
Classification: Benign. Review status: no assertion criteria provided. Collection method: clinical testing. Allele origin: germline. Affected: yes. Study: VKGL Data-share Consensus. Not counted in ClinVar's aggregate classification.

Laboratory of Diagnostic Genome Analysis, Leiden University Medical Center (LUMC)
Classification: Likely benign. Review status: no assertion criteria provided. Collection method: clinical testing. Allele origin: germline. Affected: yes. Study: VKGL Data-share Consensus. Not counted in ClinVar's aggregate classification.

Literature cited by the submitters: PubMed 17344846 (cited by Athena Diagnostics).

NM_001267550.2(TTN):c.58933C>T (p.Leu19645=)

Genes: TTN-AS1 (TTN antisense RNA 1; plus strand), TTN (titin; minus strand). Cytogenetic location: 2q31.2.
Variant type: single nucleotide variant.
Coding change: c.58933C>T on transcript NM_001267550.2 (MANE Select); coding-DNA position 58933, C replaced by T.
Protein change: p.Leu19645=; no amino-acid change (leucine 19645 retained).
Molecular consequence: synonymous variant.
Genome position (GRCh38, 1-based): chr2:178,593,275, G>A on the plus strand (C>T on the coding strand, the complement: TTN is on the minus strand). VCF-style: chr2-178593275-G-A. GRCh37 (hg19) VCF-style: chr2-179458002-G-A.
Other names: p.L17077L:CTA>TTA; p.Leu17077=; c.54010C>T, p.Leu18004= (NM_001256850.1); c.51229C>T, p.Leu17077= (NM_133378.4); c.31738C>T, p.Leu10580= (NM_003319.4); c.32113C>T, p.Leu10705= (NM_133432.3); c.32314C>T, p.Leu10772= (NM_133437.4).
Identifiers: ClinVar variation 47142 (VCV000047142.43), dbSNP rs2303836, ClinGen allele CA283505.
Genomic context (GRCh38, chr2:178,593,275, plus strand): 5'-GATCTCCAATACCAATTTCATTTTCTGCAGAAACCCGGAATTCATACTGACATCCTTCTA[G>A]AAGATCAGGAACCCTAAATTTAGTGTATGGATGAATAGGATCTTTGGTAACTCTAGCCCA-3'
Protein context (NP_001254479.2, residues 19635-19655): PYTKFRVPDL[Leu19645=]EGCQYEFRVS